The following is an entry in ClinVar:

ClinVar aggregate classification (germline): Uncertain significance (1 of 4 stars; one submission).

Conditions:
Cardiovascular phenotype. Identifiers: MedGen CN230736.

gnomAD v4.1: 2 of 1,614,176 alleles (0.00012%); highest among the groups gnomAD compares: Non-Finnish European, 0.000085%; no homozygotes.

Submission:

Ambry Genetics
Classification: Uncertain significance for Cardiovascular phenotype. Last evaluated: 2024-10-14. Review status: criteria provided, single submitter. Criteria: Ambry Variant Classification Scheme 2023. Collection method: clinical testing. Allele origin: germline.
Comment: The p.A228D variant (also known as c.683C>A), located in coding exon 6 of the ABCG5 gene, results from a C to A substitution at nucleotide position 683. The alanine at codon 228 is replaced by aspartic acid, an amino acid with dissimilar properties. This amino acid position is conserved. In addition, this alteration is predicted to be deleterious by in silico analysis. Based on the available evidence, the clinical significance of this variant remains unclear.

NM_022436.3(ABCG5):c.683C>A (p.Ala228Asp)

Genes: ABCG5 (ATP binding cassette subfamily G member 5; minus strand), DYNC2LI1 (dynein cytoplasmic 2 light intermediate chain 1; plus strand). Cytogenetic location: 2p21.
Variant type: single nucleotide variant.
Coding change: c.683C>A on transcript NM_022436.3 (MANE Select); coding-DNA position 683, C replaced by A.
Protein change: p.Ala228Asp; replaces alanine 228 with aspartic acid.
Molecular consequence: missense variant. On other transcripts: intron variant (2).
Genome position (GRCh38, 1-based): chr2:43,826,473, G>T on the plus strand (C>A on the coding strand, the complement: ABCG5 is on the minus strand). VCF-style: chr2-43826473-G-T. GRCh37 (hg19) VCF-style: chr2-44053612-G-T.
Other names: c.*16-913G>T (NM_001348913.2, NM_001348912.2); short protein forms A228D.
Identifiers: ClinVar variation 3416371 (VCV003416371.1).